The following is an entry in ClinVar:

ClinVar aggregate classification (germline): Uncertain significance. Review status: criteria provided, multiple submitters, no conflicts (2 of 4 stars). 2 submissions from 2 submitters: Uncertain significance (2). Last evaluated 2024-07-25.

Allele frequency attached by ClinVar (database versions not stated): ExAC 0.00006; gnomAD 0.00008; TOPMed 0.00008; ESP Exome Variant Server 0.00015; 1000 Genomes Project 30x 0.00031.
gnomAD v4.1: 129 of 1,609,426 alleles (0.008%); highest among the groups gnomAD compares: Non-Finnish European, 0.01%; no homozygotes.

Submissions (2):

Blueprint Genetics
Classification: Uncertain significance. Last evaluated: 2024-07-25. Review status: criteria provided, single submitter. Criteria: ACMG Guidelines, 2015. Collection method: clinical testing. Allele origin: germline.

Labcorp Genetics (formerly Invitae), Labcorp
Classification: Uncertain significance. Last evaluated: 2022-04-23. Review status: criteria provided, single submitter. Criteria: Invitae Variant Classification Sherloc (09022015). Collection method: clinical testing. Allele origin: germline.
Comment: This sequence change replaces methionine, which is neutral and non-polar, with isoleucine, which is neutral and non-polar, at codon 612 of the PDE6A protein (p.Met612Ile). This variant is present in population databases (rs142934552, gnomAD 0.01%). This variant has not been reported in the literature in individuals affected with PDE6A-related conditions. ClinVar contains an entry for this variant (Variation ID: 866215). Algorithms developed to predict the effect of missense changes on protein structure and function are either unavailable or do not agree on the potential impact of this missense change (SIFT: "Tolerated"; PolyPhen-2: "Probably Damaging"; Align-GVGD: "Class C0"). In summary, the available evidence is currently insufficient to determine the role of this variant in disease. Therefore, it has been classified as a Variant of Uncertain Significance.

NM_000440.3(PDE6A):c.1836G>A (p.Met612Ile)

Gene: PDE6A (phosphodiesterase 6A; minus strand). Cytogenetic location: 5q32.
Variant type: single nucleotide variant.
Coding change: c.1836G>A on transcript NM_000440.3 (MANE Select); coding-DNA position 1836, G replaced by A.
Protein change: p.Met612Ile; replaces methionine 612 with isoleucine.
Molecular consequence: missense variant.
Genome position (GRCh38, 1-based): chr5:149,886,267, C>T on the plus strand (G>A on the coding strand, the complement: PDE6A is on the minus strand). VCF-style: chr5-149886267-C-T. GRCh37 (hg19) VCF-style: chr5-149265830-C-T.
Other names: short protein forms M612I.
Identifiers: ClinVar variation 866215 (VCV000866215.6), dbSNP rs142934552, ClinGen allele CA3504527.